The following is an entry in ClinVar:

NM_017514.5(PLXNA3):c.5384T>G (p.Ile1795Ser)

Gene: PLXNA3 (plexin A3; plus strand). Cytogenetic location: Xq28.
Variant type: single nucleotide variant.
Coding change: c.5384T>G on transcript NM_017514.5 (MANE Select); coding-DNA position 5384, T replaced by G.
Protein change: p.Ile1795Ser; replaces isoleucine 1795 with serine.
Molecular consequence: missense variant.
Genome position (GRCh38, 1-based): chrX:154,471,502, T>G. VCF-style: chrX-154471502-T-G. GRCh37 (hg19) VCF-style: chrX-153699845-T-G.
Other names: short protein forms I1795S.
Identifiers: ClinVar variation 3344290 (VCV003344290.1).
Genomic context (GRCh38, chrX:154,471,502, plus strand): 5'-TAGTTTTTGTGATGTCGCCTGAGTGACATACTCAGGGTCCCAACAGGTATTATCGAGACA[T>G]TGCAAAGATGGCATCCATCAGCGACCAGGACATGGATGCCTACCTGGTGGAGCAGTCCCG-3'
Protein context (NP_059984.3, residues 1785-1805): KSWVERYYRD[Ile1795Ser]AKMASISDQD

ClinVar aggregate classification (germline): Uncertain significance (0 of 4 stars; one submission).

Conditions:
PLXNA3-related disorder. Also called: PLXNA3-related condition.

Submission:

PreventionGenetics, part of Exact Sciences
Classification: Uncertain significance for PLXNA3-related condition. Last evaluated: 2024-08-06. Review status: no assertion criteria provided. Collection method: clinical testing. Allele origin: germline.
Comment: The PLXNA3 c.5384T>G variant is predicted to result in the amino acid substitution p.Ile1795Ser. To our knowledge, this variant has not been reported in the literature or in a large population database, indicating this variant is rare. At this time, the clinical significance of this variant is uncertain due to the absence of conclusive functional and genetic evidence.